The following is an entry in ClinVar:

ClinVar aggregate classification (germline): Uncertain significance. Review status: criteria provided, multiple submitters, no conflicts (2 of 4 stars). 2 submissions from 2 submitters: Uncertain significance (2). Last evaluated 2025-12-29.

Conditions:
Dilated cardiomyopathy 1AA (CMD1AA). Also called: CARDIOMYOPATHY, DILATED, 1AA, WITH OR WITHOUT LEFT VENTRICULAR NONCOMPACTION; CARDIOMYOPATHY, FAMILIAL HYPERTROPHIC, 23, WITH OR WITHOUT LEFT VENTRICULAR NONCOMPACTION; Cardiomyopathy, dilated, 1AA, with or without LVNC. Identifiers: Orphanet 154, MedGen C2677338, MONDO:0012808, OMIM 612158.
Primary familial hypertrophic cardiomyopathy (HCM). Identifiers: Orphanet 99739, MedGen C0949658, MeSH D024741, MONDO:0024573. Inheritance: Various modes of inheritance.
Cardiovascular phenotype. Identifiers: MedGen CN230736.

Allele frequency attached by ClinVar (database versions not stated): ExAC 0.00001; gnomAD exomes 0.00001; TOPMed 0.00002.

Submissions (2):

Ambry Genetics
Classification: Uncertain significance for Cardiovascular phenotype. Last evaluated: 2025-12-29. Review status: criteria provided, single submitter. Criteria: Ambry Variant Classification Scheme 2023. Collection method: clinical testing. Allele origin: germline.
Comment: The c.242-3C>T intronic variant results from a C to T substitution 3 nucleotides upstream from coding exon 3 in the ACTN2 gene. This nucleotide position is well conserved in available vertebrate species. In silico splice site analysis predicts that this alteration will not have any significant effect on splicing. Based on the available evidence, the clinical significance of this variant remains unclear.

Labcorp Genetics (formerly Invitae), Labcorp
Classification: Uncertain significance for Primary familial hypertrophic cardiomyopathy; Dilated cardiomyopathy 1AA. Last evaluated: 2024-03-07. Review status: criteria provided, single submitter. Criteria: Invitae Variant Classification Sherloc (09022015). Collection method: clinical testing. Allele origin: germline.
Comment: This sequence change falls in intron 2 of the ACTN2 gene. It does not directly change the encoded amino acid sequence of the ACTN2 protein. It affects a nucleotide within the consensus splice site. This variant is present in population databases (rs770703958, gnomAD 0.003%). This variant has not been reported in the literature in individuals affected with ACTN2-related conditions. ClinVar contains an entry for this variant (Variation ID: 1447664). Variants that disrupt the consensus splice site are a relatively common cause of aberrant splicing (PMID: 17576681, 9536098). Algorithms developed to predict the effect of sequence changes on RNA splicing suggest that this variant is not likely to affect RNA splicing. In summary, the available evidence is currently insufficient to determine the role of this variant in disease. Therefore, it has been classified as a Variant of Uncertain Significance.

Literature cited by the submitters: PubMed 17576681 (cited by Labcorp Genetics (formerly Invitae), Labcorp); PubMed 9536098 (cited by Labcorp Genetics (formerly Invitae), Labcorp).

NM_001103.4(ACTN2):c.242-3C>T

Gene: ACTN2 (actinin alpha 2; plus strand). Cytogenetic location: 1q43.
Variant type: single nucleotide variant.
Coding change: c.242-3C>T on transcript NM_001103.4 (MANE Select); 3 bases into the intron before coding-DNA position 242, C replaced by T.
Molecular consequence: intron variant.
Genome position (GRCh38, 1-based): chr1:236,718,891, C>T. VCF-style: chr1-236718891-C-T. GRCh37 (hg19) VCF-style: chr1-236882191-C-T.
Other names: c.-580-3C>T (NM_001278344.2); c.242-3C>T (NM_001278343.2, NM_001103.2).
Identifiers: ClinVar variation 1447664 (VCV001447664.7), dbSNP rs770703958, ClinGen allele CA1472752.